The following is an entry in ClinVar:

NM_001374736.1(DST):c.16009C>T (p.Gln5337Ter)

Gene: DST (dystonin; minus strand). Cytogenetic location: 6p12.1.
Variant type: single nucleotide variant.
Coding change: c.16009C>T on transcript NM_001374736.1 (MANE Select); coding-DNA position 16009, C replaced by T.
Protein change: p.Gln5337Ter; replaces glutamine 5337 with a stop codon.
Molecular consequence: nonsense.
Genome position (GRCh38, 1-based): chr6:56,552,783, G>A on the plus strand (C>T on the coding strand, the complement: DST is on the minus strand). VCF-style: chr6-56552783-G-A. GRCh37 (hg19) VCF-style: chr6-56417581-G-A.
Other names: c.9652C>T, p.Gln3218Ter (NM_001144769.5); c.9238C>T, p.Gln3080Ter (NM_001144770.2); c.16009C>T, p.Gln5337Ter (NM_001374722.1); c.15376C>T, p.Gln5126Ter (NM_001374729.1); c.9118C>T, p.Gln3040Ter (NM_001374730.1, NM_001386100.1, NM_183380.4); c.16036C>T, p.Gln5346Ter (NM_001374734.1); c.8140C>T, p.Gln2714Ter (NM_015548.5); short protein forms Q2714*, Q5346*, Q3040*, Q3080*, Q5126*, Q3218*, Q5337*.
Identifiers: ClinVar variation 2946909 (VCV002946909.4), dbSNP rs2535332546, ClinGen allele CA364514564.

ClinVar aggregate classification (germline): Pathogenic/Likely pathogenic. Review status: criteria provided, multiple submitters, no conflicts (2 of 4 stars). 2 submissions from 2 submitters: Pathogenic (1); Likely pathogenic (1). Last evaluated 2024-10-18.

Conditions:
Hereditary sensory and autonomic neuropathy type 6. Also called: Neuropathy, hereditary sensory and autonomic, type VI; HSAN VI. Identifiers: Orphanet 314381, MedGen C3539003, MONDO:0013839, OMIM 614653.
Epidermolysis bullosa simplex 3, localized or generalized intermediate, with BP230 deficiency (EBS3). Also called: Epidermolysis bullosa simplex, autosomal recessive 2; Epidermolysis bullosa simplex due to BP230 deficiency. Identifiers: Orphanet 412181, MedGen C3809470, MONDO:0014180, OMIM 615425.
DST-related disorder. Also called: DST-related disorders; DST-related condition.

Submissions (2):

Blueprint Genetics
Classification: Likely pathogenic for DST-related disorders. Last evaluated: 2024-10-18. Review status: criteria provided, single submitter. Criteria: ACMG Guidelines, 2015. Collection method: clinical testing. Allele origin: germline. Affected: yes. Observed: 1 variant allele.

Labcorp Genetics (formerly Invitae), Labcorp
Classification: Pathogenic for Epidermolysis bullosa simplex 3, localized or generalized intermediate, with BP230 deficiency; Hereditary sensory and autonomic neuropathy type 6. Last evaluated: 2023-04-19. Review status: criteria provided, single submitter. Criteria: Invitae Variant Classification Sherloc (09022015). Collection method: clinical testing. Allele origin: germline.
Comment: This sequence change creates a premature translational stop signal (p.Gln2714*) in the DST gene. It is expected to result in an absent or disrupted protein product. Loss-of-function variants in DST are known to be pathogenic (PMID: 22522446, 25059916, 30371979). For these reasons, this variant has been classified as Pathogenic. This variant has not been reported in the literature in individuals affected with DST-related conditions. This variant is not present in population databases (gnomAD no frequency). The DST gene has multiple clinically relevant transcripts. This variant occurs in alternate transcript NM_015548.4, and corresponds to NM_001723.5:c.*62734C>T (Non-coding) in the primary transcript.

Literature cited by the submitters: PubMed 22522446 (cited by Labcorp Genetics (formerly Invitae), Labcorp); PubMed 25059916 (cited by Labcorp Genetics (formerly Invitae), Labcorp); PubMed 30371979 (cited by Labcorp Genetics (formerly Invitae), Labcorp).